The following is an entry in ClinVar:

NM_003331.5(TYK2):c.647del (p.Pro216fs)

Gene: TYK2 (tyrosine kinase 2; minus strand). Cytogenetic location: 19p13.2.
Variant type: Deletion.
Coding change: c.647del on transcript NM_003331.5 (MANE Select); coding-DNA position 647, one base deleted (C; older notation c.647delC).
Protein change: p.Pro216fs; shifts the reading frame from proline 216.
Molecular consequence: frameshift variant. On other transcripts: intron variant (1).
Genome position (GRCh38, 1-based): chr19:10,365,881, G deleted on the plus strand (C on the coding strand, the reverse complement: TYK2 is on the minus strand); the first of 3 consecutive G bases (chr19:10,365,881-10,365,883); deleting any one gives the same sequence. VCF-style (leftmost placement, unchanged base first): chr19-10365880-CG-C. GRCh37 (hg19) VCF-style: chr19-10476556-CG-C.
Other names: c.647del, p.Pro216fs (NM_001385197.1, NM_001385198.1, NM_001385199.1 and 7 more transcripts); c.645delC, p.Pro216Argfs (NM_001406461.1); c.630-73del (NM_001385205.1); c.647delC (NM_003331.5); short protein forms P216fs.
Identifiers: ClinVar variation 493245 (VCV000493245.44), dbSNP rs1555719963, ClinGen allele CA631725524.
Genomic context (GRCh38, chr19:10,365,880, plus strand): 5'-GTTCCGAAGGCGCAGCCGGGTCAGGGCGCTGTGCTGCCGGATATGCCGGCGGAAGGAGCG[CG>C]GGATGCAGTCCTTGAAGCTGGGGGGAAACACAGTGAGGGGCTGGTCAGGGACCTGGGTTG-3'

ClinVar aggregate classification (germline): Pathogenic/Likely pathogenic. Review status: criteria provided, multiple submitters, no conflicts (2 of 4 stars). 3 submissions from 3 submitters: Pathogenic (1); Likely pathogenic (1). 1 of the submissions does not count toward it. Last evaluated 2025-05-07.

Conditions:
Immunodeficiency 35 (IMD35). Also called: HIES WITH ATYPICAL MYCOBACTERIOSIS, AUTOSOMAL RECESSIVE; HYPER-IgE SYNDROME WITH ATYPICAL MYCOBACTERIOSIS, AUTOSOMAL RECESSIVE; Susceptibility to infection due to TYK2 deficiency; TYK2 DEFICIENCY. Identifiers: Orphanet 331226, MedGen C1969086, MONDO:0012682, OMIM 611521.

Submissions (3):

Women's Health and Genetics/Laboratory Corporation of America, LabCorp
Classification: Pathogenic for Immunodeficiency 35. Last evaluated: 2025-05-07. Review status: criteria provided, single submitter. Criteria: LabCorp Variant Classification Summary - May 2015. Collection method: clinical testing. Allele origin: germline.
Comment: Variant summary: TYK2 c.647delC (p.Pro216ArgfsX14) results in a premature termination codon, predicted to cause a truncation of the encoded protein or absence of the protein due to nonsense mediated decay, which are commonly known mechanisms for disease. The frequency data for this variant in gnomAD is considered unreliable, as metrics indicate poor data quality at this position. c.647delC has been observed in multiple homozygous individuals affected with Immunodeficiency 35 (e.g. Ogishi_2022). These data indicate that the variant is very likely to be associated with disease. To our knowledge, no experimental evidence demonstrating an impact on protein function has been reported. The following publication has been ascertained in the context of this evaluation (PMID: 36094518). ClinVar contains an entry for this variant (Variation ID: 493245). Based on the evidence outlined above, the variant was classified as pathogenic.

CeGaT Center for Human Genetics Tuebingen
Classification: Likely pathogenic. Last evaluated: 2017-08-01. Review status: criteria provided, single submitter. Criteria: CeGaT Center For Human Genetics Tuebingen Variant Classification Criteria Version 2. Collection method: clinical testing. Allele origin: germline. Affected: yes. Observed: 1 variant allele.

OMIM
Classification: Pathogenic for IMMUNODEFICIENCY 35. Last evaluated: 2022-09-20. Review status: no assertion criteria provided. Collection method: literature only. Allele origin: germline. Not counted in ClinVar's aggregate classification.

Literature cited by the submitters: PubMed 36094518 (cited by Women's Health and Genetics/Laboratory Corporation of America, LabCorp); PubMed 27615517 (cited by OMIM); PubMed 35708626 (cited by OMIM).